The following is an entry in ClinVar:

ClinVar aggregate classification (germline): Uncertain significance (1 of 4 stars; one submission).

Allele frequency attached by ClinVar (database versions not stated): TOPMed below 0.00001; gnomAD 0.00001; ExAC 0.00004.
gnomAD v4.1: 2 of 1,575,496 alleles (0.00013%); highest among the groups gnomAD compares: Non-Finnish European, 0.000086%; no homozygotes.

Submission:

Ambry Genetics
Classification: Uncertain significance. Last evaluated: 2024-02-28. Review status: criteria provided, single submitter. Criteria: Ambry Variant Classification Scheme 2023. Collection method: clinical testing. Allele origin: germline.
Comment: The p.E150K variant (also known as c.448G>A), located in coding exon 1 of the TERF2IP gene, results from a G to A substitution at nucleotide position 448. The glutamic acid at codon 150 is replaced by lysine, an amino acid with similar properties. This amino acid position is conserved. In addition, this alteration is predicted to be tolerated by in silico analysis. Since supporting evidence is limited at this time, the clinical significance of this alteration remains unclear.

NM_018975.4(TERF2IP):c.448G>A (p.Glu150Lys)

Gene: TERF2IP (TERF2 interacting protein; plus strand). Cytogenetic location: 16q23.1.
Variant type: single nucleotide variant.
Coding change: c.448G>A on transcript NM_018975.4 (MANE Select); coding-DNA position 448, G replaced by A.
Protein change: p.Glu150Lys; replaces glutamic acid 150 with lysine.
Molecular consequence: missense variant. On other transcripts: non-coding transcript variant (1).
Genome position (GRCh38, 1-based): chr16:75,648,330, G>A. VCF-style: chr16-75648330-G-A. GRCh37 (hg19) VCF-style: chr16-75682228-G-A.
Other names: short protein forms E150K.
Identifiers: ClinVar variation 1740955 (VCV001740955.2), dbSNP rs778859432, ClinGen allele CA8177991.